The following is an entry in ClinVar:

ClinVar aggregate classification (germline): Uncertain significance (1 of 4 stars; one submission).

Submission:

GeneDx
Classification: Uncertain significance. Last evaluated: 2025-01-25. Review status: criteria provided, single submitter. Criteria: GeneDx Variant Classification Process June 2021. Collection method: clinical testing. Allele origin: germline. Affected: yes.
Comment: Intronic +5 splice site variant in a gene for which loss of function is a known mechanism of disease, and both splice predictors and evolutionary conservation support a deleterious effect, although in the absence of functional evidence the actual effect of this sequence change is unknown.; Has not been previously published as pathogenic or benign to our knowledge

NM_005902.4(SMAD3):c.607+5del

Gene: SMAD3 (SMAD family member 3; plus strand). Cytogenetic location: 15q22.33.
Variant type: Deletion.
Coding change: c.607+5del on transcript NM_005902.4 (MANE Select); 5 bases into the intron after coding-DNA position 607, one base deleted (G; older notation c.607+5delG).
Molecular consequence: intron variant.
Genome position (GRCh38, 1-based): chr15:67,166,858, G deleted. VCF-style (leftmost placement, unchanged base first): chr15-67166857-AG-A. GRCh37 (hg19) VCF-style: chr15-67459195-AG-A.
Other names: c.607+5del (NM_001407011.1, NM_001407013.1); c.475+5del (NM_001407012.1, NM_001145103.2); c.460+5del (NM_001407014.1); c.292+5del (NM_001145102.2, NM_001407016.1); c.160+5del (NM_001407015.1); c.22+5del (NM_001145104.2, NM_001407017.1).
Identifiers: ClinVar variation 4071728 (VCV004071728.1).